The following is an entry in ClinVar:

ClinVar aggregate classification (germline): Conflicting classifications of pathogenicity. Review status: criteria provided, conflicting classifications (1 of 4 stars). 5 submissions from 5 submitters: Uncertain significance (1); Benign (2); Likely benign (2). Last evaluated 2026-02-04.

Conditions:
COL9A3-related disorder. Also called: COL9A3-related condition.

Allele frequency attached by ClinVar (database versions not stated): TOPMed 0.00033; ESP Exome Variant Server 0.00038.
gnomAD v4.1: 666 of 1,612,792 alleles (0.041%); highest among the groups gnomAD compares: Middle Eastern, 0.033%; 2 homozygotes.

Submissions (5):

Labcorp Genetics (formerly Invitae), Labcorp
Classification: Benign. Last evaluated: 2026-02-04. Review status: criteria provided, single submitter. Criteria: Invitae Variant Classification Sherloc (09022015). Collection method: clinical testing. Allele origin: germline.

PreventionGenetics, part of Exact Sciences
Classification: Benign for COL9A3-related condition. Last evaluated: 2024-12-02. Review status: criteria provided, single submitter. Criteria: ACMG Guidelines, 2015. Collection method: clinical testing. Allele origin: germline.
Comment: This variant is classified as benign based on ACMG/AMP sequence variant interpretation guidelines (Richards et al. 2015 PMID: 25741868, with internal and published modifications).

Blueprint Genetics
Classification: Likely benign. Last evaluated: 2024-10-22. Review status: criteria provided, single submitter. Criteria: ACMG Guidelines, 2015. Collection method: clinical testing. Allele origin: germline.

GeneDx
Classification: Likely benign. Last evaluated: 2021-02-04. Review status: criteria provided, single submitter. Criteria: GeneDx Variant Classification Process June 2021. Collection method: clinical testing. Allele origin: germline. Affected: yes.

CeGaT Center for Human Genetics Tuebingen
Classification: Uncertain significance. Last evaluated: 2018-02-01. Review status: criteria provided, single submitter. Criteria: CeGaT Center For Human Genetics Tuebingen Variant Classification Criteria Version 2. Collection method: clinical testing. Allele origin: germline. Affected: yes. Observed: 1 variant allele.

NM_001853.4(COL9A3):c.182C>T (p.Pro61Leu)

Gene: COL9A3 (collagen type IX alpha 3 chain; plus strand). Cytogenetic location: 20q13.33.
Variant type: single nucleotide variant.
Coding change: c.182C>T on transcript NM_001853.4 (MANE Select); coding-DNA position 182, C replaced by T.
Protein change: p.Pro61Leu; replaces proline 61 with leucine.
Molecular consequence: missense variant.
Genome position (GRCh38, 1-based): chr20:62,818,552, C>T. VCF-style: chr20-62818552-C-T. GRCh37 (hg19) VCF-style: chr20-61449904-C-T.
Other names: c.182C>T, p.Pro61Leu (LRG_1253t1); short protein forms P61L.
Identifiers: ClinVar variation 339267 (VCV000339267.55), dbSNP rs149582526, ClinGen allele CA9949041.